The following is an entry in ClinVar:

NM_000233.4(LHCGR):c.211G>C (p.Gly71Arg)

Genes: LHCGR (luteinizing hormone/choriogonadotropin receptor; minus strand), STON1-GTF2A1L (STON1-GTF2A1L readthrough; plus strand). Cytogenetic location: 2p16.3.
Variant type: single nucleotide variant.
Coding change: c.211G>C on transcript NM_000233.4 (MANE Select); coding-DNA position 211, G replaced by C.
Protein change: p.Gly71Arg; replaces glycine 71 with arginine.
Molecular consequence: missense variant. On other transcripts: intron variant (1).
Genome position (GRCh38, 1-based): chr2:48,731,249, C>G on the plus strand (G>C on the coding strand, the complement: LHCGR is on the minus strand). VCF-style: chr2-48731249-C-G. GRCh37 (hg19) VCF-style: chr2-48958388-C-G.
Other names: c.3442-45031C>G (NM_001198593.2); short protein forms G71R.
Identifiers: ClinVar variation 3629751 (VCV003629751.3).

ClinVar aggregate classification (germline): Uncertain significance. Review status: criteria provided, multiple submitters, no conflicts (2 of 4 stars). 2 submissions from 2 submitters: Uncertain significance (2). Last evaluated 2025-01-20.

gnomAD v4.1: 65 of 1,610,808 alleles (0.004%); highest among the groups gnomAD compares: South Asian, 0.031%; no homozygotes.

Submissions (2):

Labcorp Genetics (formerly Invitae), Labcorp
Classification: Uncertain significance. Last evaluated: 2025-01-20. Review status: criteria provided, single submitter. Criteria: Invitae Variant Classification Sherloc (09022015). Collection method: clinical testing. Allele origin: germline.
Comment: This sequence change replaces glycine, which is neutral and non-polar, with arginine, which is basic and polar, at codon 71 of the LHCGR protein (p.Gly71Arg). This variant is present in population databases (rs746197082, gnomAD 0.02%). This missense change has been observed in individual(s) with Leydig cell hypoplasia and/or premature ovarian insufficiency (PMID: 26554443, 38649916). Invitae Evidence Modeling of protein sequence and biophysical properties (such as structural, functional, and spatial information, amino acid conservation, physicochemical variation, residue mobility, and thermodynamic stability) indicates that this missense variant is not expected to disrupt LHCGR protein function with a negative predictive value of 80%. In summary, the available evidence is currently insufficient to determine the role of this variant in disease. Therefore, it has been classified as a Variant of Uncertain Significance.

Women's Health and Genetics/Laboratory Corporation of America, LabCorp
Classification: Uncertain significance. Last evaluated: 2024-11-08. Review status: criteria provided, single submitter. Criteria: LabCorp Variant Classification Summary - May 2015. Collection method: clinical testing. Allele origin: germline.
Comment: Variant summary: LHCGR c.211G>C (p.Gly71Arg) results in a non-conservative amino acid change located in the Ribonuclease Inhibitor domain of the encoded protein sequence. Four of five in-silico tools predict a damaging effect of the variant on protein function. The variant allele was found at a frequency of 5.2e-05 in 250788 control chromosomes. This frequency is not significantly higher than estimated for a pathogenic variant in LHCGR causing Leydig Cell Hypoplasia (5.2e-05 vs 0.0045), allowing no conclusion about variant significance. c.211G>C has been reported in the literature in at-least one individual affected with Leydig Cell Hypoplasia, however this patient also had a second variant in cis (example: Charmandari_2015). These report(s) do not provide unequivocal conclusions about association of the variant with Leydig Cell Hypoplasia. At least one publication reports experimental evidence that this variant decreased receptor cell surface expression and hormone responsiveness relative to WT protein (example: Charmandari_2015). The following publications have been ascertained in the context of this evaluation (PMID: 38649916, 36964972, 26554443). No submitters have cited clinical-significance assessments for this variant to ClinVar. Based on the evidence outlined above, the variant was classified as uncertain significance.

Literature cited by the submitters: PubMed 26554443 (cited by Labcorp Genetics (formerly Invitae), Labcorp and Women's Health and Genetics/Laboratory Corporation of America, LabCorp); PubMed 38649916 (cited by Labcorp Genetics (formerly Invitae), Labcorp and Women's Health and Genetics/Laboratory Corporation of America, LabCorp); PubMed 36964972 (cited by Women's Health and Genetics/Laboratory Corporation of America, LabCorp).